The following is an entry in ClinVar:

ClinVar aggregate classification (germline): Pathogenic/Likely pathogenic. Review status: criteria provided, multiple submitters, no conflicts (2 of 4 stars). 9 submissions from 9 submitters: Pathogenic (6); Likely pathogenic (1). 2 of the submissions do not count toward it. Last evaluated 2025-11-11.

Conditions:
PRF1-related disorder. Also called: PRF1-related condition.
Lymphoma, non-Hodgkin, familial. Identifiers: MedGen C4721532, MONDO:0011508, OMIM 605027.
Aplastic anemia. Identifiers: Orphanet 182040, Orphanet 88, MedGen C0002874, MONDO:0015909, OMIM 609135, HP:0001915.
Familial hemophagocytic lymphohistiocytosis 2 (FHL2). Also called: PRF1-Related Familial Hemophagocytic Lymphohistiocytosis (PRF1-fHLH). Identifiers: Orphanet 540, MedGen C1863727, MONDO:0011337, OMIM 603553.
Familial hemophagocytic lymphohistiocytosis (FHL). Also called: Familial erythrophagocytic lymphohistiocytosis; Familial histiocytic reticulosis; Hereditary hemophagocytic lymphohistiocytosis. Identifiers: Orphanet 158038, Orphanet 540, MedGen C0272199, MONDO:0015541.

Allele frequency attached by ClinVar (database versions not stated): ExAC 0.00002; gnomAD exomes 0.00003 and 0.00004; gnomAD 0.00005 and 0.00006; TOPMed 0.00006.

Submissions (9):

Labcorp Genetics (formerly Invitae), Labcorp
Classification: Pathogenic for Familial hemophagocytic lymphohistiocytosis 2. Last evaluated: 2025-11-11. Review status: criteria provided, single submitter. Criteria: Invitae Variant Classification Sherloc (09022015). Collection method: clinical testing. Allele origin: germline.
Comment: This sequence change replaces histidine, which is basic and polar, with glutamine, which is neutral and polar, at codon 222 of the PRF1 protein (p.His222Gln). This variant is present in population databases (rs751247865, gnomAD 0.01%). This missense change has been observed in individuals with hemophagocytic lymphohistiocytosis (PMID: 14757862, 15205266, 16278825, 17525286, 19595804). It has also been observed to segregate with disease in related individuals. ClinVar contains an entry for this variant (Variation ID: 280112). Invitae Evidence Modeling of protein sequence and biophysical properties (such as structural, functional, and spatial information, amino acid conservation, physicochemical variation, residue mobility, and thermodynamic stability) indicates that this missense variant is expected to disrupt PRF1 protein function with a positive predictive value of 95%. Experimental studies have shown that this missense change affects PRF1 function (PMID: 15755897, 17525286, 19487666). For these reasons, this variant has been classified as Pathogenic.

PreventionGenetics, part of Exact Sciences
Classification: Pathogenic for PRF1-related condition. Last evaluated: 2025-01-08. Review status: criteria provided, single submitter. Criteria: ACMG Guidelines, 2015. Collection method: clinical testing. Allele origin: germline.
Comment: The PRF1 c.666C>A variant is predicted to result in the amino acid substitution p.His222Gln. This variant has been reported in a homozygous or compound heterozygous state in multiple individuals with familial haemophagocytic lymphohistiocytosis (FHLH) from various ethnicities (see for example, Molleran Lee et al. 2004. PubMed ID: 14757862; Trizzino et al. 2014. PubMed ID: 17873118; You et al. 2023. PubMed ID: 37390248) and was noted to segregate with the condition in at least one family (Vermeulen et al. 2009. PubMed ID: 19595804). Functional studies suggest this variant adversely impacts PRF1 function (see for example, Voskoboinik et al. 2005. PubMed ID: 15755897; Chia et al. 2009. PubMed ID: 19487666; Noori et al. 2023. PubMed ID: 36706356). An alternate nucleotide change affecting the same amino acid (p.His222Arg) has been reported in individuals affected with HLH (Balta et al. 2013. PubMed ID: 23073042; Yenicesu et al. 2012. PubMed ID: 24744671; Voskoboinik et al. 2005. PubMed ID: 15755897). The c.666C>A variant is reported in 0.0086% of alleles in individuals of European (non-Finnish) descent in gnomAD. This variant is consistently classified as likely pathogenic or pathogenic in ClinVar. This variant is interpreted as pathogenic.

Blueprint Genetics
Classification: Pathogenic for PRF1-related disorders. Last evaluated: 2024-08-16. Review status: criteria provided, single submitter. Criteria: ACMG Guidelines, 2015. Collection method: clinical testing. Allele origin: germline. Affected: yes. Observed: 5 variant alleles.

GeneDx
Classification: Pathogenic. Last evaluated: 2024-06-10. Review status: criteria provided, single submitter. Criteria: GeneDx Variant Classification Process June 2021. Collection method: clinical testing. Allele origin: germline. Affected: yes.
Comment: Published functional studies demonstrate a damaging effect: cells expressing the H222Q variant had no detectable cytotoxic activity (PMID: 15755897, 19487666); In silico analysis supports that this missense variant has a deleterious effect on protein structure/function; This variant is associated with the following publications: (PMID: 17525286, 23592409, 15755897, 19487666, 15205266, 34308104, 36706356, 19595804, 17873118, 32542393, 14757862, 16278825)

Fulgent Genetics
Classification: Likely pathogenic for Familial hemophagocytic lymphohistiocytosis 2; Lymphoma, non-Hodgkin, familial; Aplastic anemia. Last evaluated: 2024-04-04. Review status: criteria provided, single submitter. Criteria: ACMG Guidelines, 2015. Collection method: clinical testing. Allele origin: germline.

Baylor Genetics
Classification: Pathogenic for Aplastic anemia. Last evaluated: 2023-10-25. Review status: criteria provided, single submitter. Criteria: ACMG Guidelines, 2015. Collection method: clinical testing. Allele origin: unknown.

Women's Health and Genetics/Laboratory Corporation of America, LabCorp
Classification: Pathogenic for Familial hemophagocytic lymphohistiocytosis. Last evaluated: 2022-02-15. Review status: criteria provided, single submitter. Criteria: LabCorp Variant Classification Summary - May 2015. Collection method: clinical testing. Allele origin: germline.
Comment: Variant summary: PRF1 c.666C>A (p.His222Gln) results in a non-conservative amino acid change located in the Membrane attack complex component/perforin (MACPF) domain (IPR020864) of the encoded protein sequence. Five of five in-silico tools predict a damaging effect of the variant on protein function. The variant allele was found at a frequency of 3.6e-05 in 249592 control chromosomes (gnomAD). c.666C>A has been reported in the literature in multiple homozygous and compound heterozygous individuals affected with Familial Hemophagocytic Lymphohistiocytosis and the variant segregated with the disease (examples: Karandikar_2007 and Vermeulen_2009, Voskoboinik_2005, Chia_2009). These data indicate that the variant is very likely to be associated with disease. Functional studies showed this variant results in normal expression of perforin but no detectable cytotoxic activity in transfected cells (Voskoboinik_2005, Chia_2009). Two clinical diagnostic laboratories have submitted clinical-significance assessments for this variant to ClinVar after 2014 and all laboratories classified the variant as pathogenic. Based on the evidence outlined above, the variant was classified as pathogenic.

Clinical Genetics DNA and cytogenetics Diagnostics Lab, Erasmus MC, Erasmus Medical Center
Classification: Uncertain significance. Review status: no assertion criteria provided. Collection method: clinical testing. Allele origin: germline. Affected: yes. Study: VKGL Data-share Consensus. Not counted in ClinVar's aggregate classification.

Genome Diagnostics Laboratory, University Medical Center Utrecht
Classification: Uncertain significance. Review status: no assertion criteria provided. Collection method: clinical testing. Allele origin: germline. Affected: yes. Study: VKGL Data-share Consensus. Not counted in ClinVar's aggregate classification.

Literature cited by the submitters: PubMed 14757862 (cited by Labcorp Genetics (formerly Invitae), Labcorp); PubMed 15205266 (cited by Labcorp Genetics (formerly Invitae), Labcorp and Women's Health and Genetics/Laboratory Corporation of America, LabCorp); PubMed 16278825 (cited by Labcorp Genetics (formerly Invitae), Labcorp); PubMed 17525286 (cited by Labcorp Genetics (formerly Invitae), Labcorp); PubMed 19595804 (cited by Labcorp Genetics (formerly Invitae), Labcorp and Women's Health and Genetics/Laboratory Corporation of America, LabCorp); PubMed 15755897 (cited by Labcorp Genetics (formerly Invitae), Labcorp and Women's Health and Genetics/Laboratory Corporation of America, LabCorp); PubMed 19487666 (cited by Labcorp Genetics (formerly Invitae), Labcorp and Women's Health and Genetics/Laboratory Corporation of America, LabCorp); PubMed 23592409 (cited by Women's Health and Genetics/Laboratory Corporation of America, LabCorp).

NM_001083116.3(PRF1):c.666C>A (p.His222Gln)

Gene: PRF1 (perforin 1; minus strand). Cytogenetic location: 10q22.1.
Variant type: single nucleotide variant.
Coding change: c.666C>A on transcript NM_001083116.3 (MANE Select); coding-DNA position 666, C replaced by A.
Protein change: p.His222Gln; replaces histidine 222 with glutamine.
Molecular consequence: missense variant.
Genome position (GRCh38, 1-based): chr10:70,599,055, G>T on the plus strand (C>A on the coding strand, the complement: PRF1 is on the minus strand). VCF-style: chr10-70599055-G-T. GRCh37 (hg19) VCF-style: chr10-72358811-G-T.
Other names: c.666C>A, p.His222Gln (NM_005041.6); short protein forms H222Q.
Identifiers: ClinVar variation 280112 (VCV000280112.17), dbSNP rs751247865, ClinGen allele CA5538950.
Genomic context (GRCh38, chr10:70,599,055, plus strand): 5'-GCAGGTGCGCAGGGCAGTGAGGGCCGATATGCGGCCACCCAGCTCCACAGCCCGGATGAA[G>T]TGGGTGCCGTAGTTGGAGATAAGCCTGAGGTAGGCGGGCTGGGTGGAGGCGTTGAAGTGG-3'
Protein context (NP_001076585.1, residues 212-232): YLRLISNYGT[His222Gln]FIRAVELGGR